The following is an entry in ClinVar:

ClinVar aggregate classification (germline): Benign/Likely benign. Review status: criteria provided, multiple submitters, no conflicts (2 of 4 stars). 3 submissions from 3 submitters: Benign (1); Likely benign (2). Last evaluated 2025-02-16.

Conditions:
Hereditary cancer-predisposing syndrome. Also called: Hereditary neoplastic syndrome; Hereditary Cancer Syndrome; Neoplastic Syndromes, Hereditary; Tumor predisposition. Identifiers: Orphanet 140162, MedGen C0027672, MeSH D009386, MONDO:0015356.
Familial cancer of breast. Also called: hereditary breast carcinoma; Hereditary breast cancer; BREAST CANCER, FAMILIAL. Identifiers: Orphanet 227535, MedGen C0346153, MONDO:0016419, OMIM 114480. Disease mechanism: loss of function.

Submissions (3):

Labcorp Genetics (formerly Invitae), Labcorp
Classification: Likely benign for Familial cancer of breast. Last evaluated: 2025-02-16. Review status: criteria provided, single submitter. Criteria: Invitae Variant Classification Sherloc (09022015). Collection method: clinical testing. Allele origin: germline.

Myriad Genetics, Inc.
Classification: Benign for Familial cancer of breast. Last evaluated: 2025-01-14. Review status: criteria provided, single submitter. Criteria: Myriad Autosomal Dominant, Autosomal Recessive and X-Linked Classification Criteria (2023). Collection method: clinical testing. Allele origin: unknown.
Comment: This variant is considered benign. This variant is a silent/synonymous amino acid change and it is not expected to impact splicing.

Ambry Genetics
Classification: Likely benign for Hereditary cancer-predisposing syndrome. Last evaluated: 2023-06-01. Review status: criteria provided, single submitter. Criteria: Ambry Variant Classification Scheme 2023. Collection method: clinical testing. Allele origin: germline.

NM_024675.4(PALB2):c.1539A>G (p.Thr513=)

Gene: PALB2 (partner and localizer of BRCA2; minus strand). Cytogenetic location: 16p12.2.
Variant type: single nucleotide variant.
Coding change: c.1539A>G on transcript NM_024675.4 (MANE Select); coding-DNA position 1539, A replaced by G.
Protein change: p.Thr513=; no amino-acid change (threonine 513 retained).
Molecular consequence: synonymous variant. On other transcripts: intron variant (3).
Genome position (GRCh38, 1-based): chr16:23,635,007, T>C on the plus strand (A>G on the coding strand, the complement: PALB2 is on the minus strand). VCF-style: chr16-23635007-T-C. GRCh37 (hg19) VCF-style: chr16-23646328-T-C.
Other names: c.1479A>G, p.Thr493= (NM_001407296.1); c.1539A>G, p.Thr513= (NM_001407297.1, NM_001407298.1, NM_001407299.1 and 3 more transcripts); c.654A>G, p.Thr218= (NM_001407304.1, NM_001407305.1, NM_001407306.1 and 5 more transcripts); c.49-5732A>G (NM_001407314.1); c.-104-4538A>G (NM_001407313.1, NM_001407312.1).
Identifiers: ClinVar variation 2567593 (VCV002567593.4), dbSNP rs786202974, ClinGen allele CA494461299.